The following is an entry in ClinVar:

ClinVar aggregate classification (germline): Uncertain significance (1 of 4 stars; one submission).

Conditions:
Brachyolmia-amelogenesis imperfecta syndrome. Also called: PLATYSPONDYLY WITH AMELOGENESIS IMPERFECTA; Tooth agenesis, selective, 6; Dental anomalies and short stature. Identifiers: Orphanet 2899, MedGen C1832594, MONDO:0011018, OMIM 601216. Disease mechanism: loss of function.

gnomAD v4.1: 1 of 1,614,112 alleles (0.000062%); highest among the groups gnomAD compares: East Asian, 0.0022%; no homozygotes.

Submission:

Labcorp Genetics (formerly Invitae), Labcorp
Classification: Uncertain significance for Brachyolmia-amelogenesis imperfecta syndrome. Last evaluated: 2024-05-18. Review status: criteria provided, single submitter. Criteria: Invitae Variant Classification Sherloc (09022015). Collection method: clinical testing. Allele origin: germline.
Comment: This sequence change replaces arginine, which is basic and polar, with glycine, which is neutral and non-polar, at codon 692 of the LTBP3 protein (p.Arg692Gly). This variant is not present in population databases (gnomAD no frequency). This variant has not been reported in the literature in individuals affected with LTBP3-related conditions. An algorithm developed to predict the effect of missense changes on protein structure and function (PolyPhen-2) suggests that this variant is likely to be disruptive. In summary, the available evidence is currently insufficient to determine the role of this variant in disease. Therefore, it has been classified as a Variant of Uncertain Significance.

NM_001130144.3(LTBP3):c.2074C>G (p.Arg692Gly)

Gene: LTBP3 (latent transforming growth factor beta binding protein 3; minus strand). Cytogenetic location: 11q13.1.
Variant type: single nucleotide variant.
Coding change: c.2074C>G on transcript NM_001130144.3 (MANE Select); coding-DNA position 2074, C replaced by G.
Protein change: p.Arg692Gly; replaces arginine 692 with glycine.
Molecular consequence: missense variant.
Genome position (GRCh38, 1-based): chr11:65,547,472, G>C on the plus strand (C>G on the coding strand, the complement: LTBP3 is on the minus strand). VCF-style: chr11-65547472-G-C. GRCh37 (hg19) VCF-style: chr11-65314943-G-C.
Other names: c.1723C>G, p.Arg575Gly (NM_001164266.1); c.2074C>G, p.Arg692Gly (NM_021070.4); short protein forms R575G, R692G.
Identifiers: ClinVar variation 3653786 (VCV003653786.2).